The following is an entry in ClinVar:

NM_006254.4(PRKCD):c.1847T>G (p.Leu616Trp)

Gene: PRKCD (protein kinase C delta; plus strand). Cytogenetic location: 3p21.1.
Variant type: single nucleotide variant.
Coding change: c.1847T>G on transcript NM_006254.4 (MANE Select); coding-DNA position 1847, T replaced by G.
Protein change: p.Leu616Trp; replaces leucine 616 with tryptophan.
Molecular consequence: missense variant.
Genome position (GRCh38, 1-based): chr3:53,189,976, T>G. VCF-style: chr3-53189976-T-G. GRCh37 (hg19) VCF-style: chr3-53223992-T-G.
Other names: c.1847T>G, p.Leu616Trp (NM_001316327.2, NM_001354679.2, NM_001354680.2 and 1 more transcripts); c.1904T>G, p.Leu635Trp (NM_001354676.2); c.1895T>G, p.Leu632Trp (NM_001354678.2); short protein forms L616W, L632W, L635W.
Identifiers: ClinVar variation 1353706 (VCV001353706.8), dbSNP rs2107288493, ClinGen allele CA353224460.
Genomic context (GRCh38, chr3:53,189,976, plus strand): 5'-ACATCAAAATCCACCCCTTCTTCAAGACCATAAACTGGACTCTGCTGGAAAAGCGGAGGT[T>G]GGAGCCACCTTTCAGGCCCAAAGTGGTATGTGATCCTGCCCTGTGCTGCCTTCAGGCTGA-3'
Protein context (NP_006245.2, residues 606-626): INWTLLEKRR[Leu616Trp]EPPFRPKVKS

ClinVar aggregate classification (germline): Uncertain significance (1 of 4 stars; one submission).

Conditions:
Autoimmune lymphoproliferative syndrome, type III caused by mutation in PRKCD. Identifiers: Orphanet 3261, Orphanet 664711, MedGen C3809928, MONDO:8000024, OMIM 615559.

Submission:

Labcorp Genetics (formerly Invitae), Labcorp
Classification: Uncertain significance for Autoimmune lymphoproliferative syndrome, type III caused by mutation in PRKCD. Last evaluated: 2020-12-04. Review status: criteria provided, single submitter. Criteria: Invitae Variant Classification Sherloc (09022015). Collection method: clinical testing. Allele origin: germline.
Comment: In summary, the available evidence is currently insufficient to determine the role of this variant in disease. Therefore, it has been classified as a Variant of Uncertain Significance. Algorithms developed to predict the effect of missense changes on protein structure and function are either unavailable or do not agree on the potential impact of this missense change (SIFT: "Deleterious"; PolyPhen-2: "Possibly Damaging"; Align-GVGD: "Class C0"). This variant has not been reported in the literature in individuals with PRKCD-related conditions. This variant is not present in population databases (ExAC no frequency). This sequence change replaces leucine with tryptophan at codon 616 of the PRKCD protein (p.Leu616Trp). The leucine residue is weakly conserved and there is a small physicochemical difference between leucine and tryptophan.